The following is an entry in ClinVar:

ClinVar aggregate classification (germline): Uncertain significance (1 of 4 stars; one submission).

Submission:

Ambry Genetics
Classification: Uncertain significance. Last evaluated: 2023-01-03. Review status: criteria provided, single submitter. Criteria: Ambry Variant Classification Scheme 2023. Collection method: clinical testing. Allele origin: germline.
Comment: The p.V680I variant (also known as c.2038G>A), located in coding exon 10 of the PALLD gene, results from a G to A substitution at nucleotide position 2038. The valine at codon 680 is replaced by isoleucine, an amino acid with highly similar properties. This amino acid position is conserved. In addition, this alteration is predicted to be tolerated by in silico analysis. Since supporting evidence is limited at this time, the clinical significance of this alteration remains unclear.

NM_001166108.2(PALLD):c.2038G>A (p.Val680Ile)

Gene: PALLD (palladin, cytoskeletal associated protein; plus strand). Cytogenetic location: 4q32.3.
Variant type: single nucleotide variant.
Coding change: c.2038G>A on transcript NM_001166108.2 (MANE Select); coding-DNA position 2038, G replaced by A.
Protein change: p.Val680Ile; replaces valine 680 with isoleucine.
Molecular consequence: missense variant. On other transcripts: 5 prime UTR variant (4).
Genome position (GRCh38, 1-based): chr4:168,890,995, G>A. VCF-style: chr4-168890995-G-A. GRCh37 (hg19) VCF-style: chr4-169812146-G-A.
Other names: c.892G>A, p.Val298Ile (NM_001166109.2); c.577G>A, p.Val193Ile (NM_001166110.2); c.-84G>A (NM_001367567.1, NM_001367568.1, NM_001367569.1 and 1 more transcripts); c.2038G>A, p.Val680Ile (NM_016081.4); short protein forms V193I, V298I, V680I.
Identifiers: ClinVar variation 2448471 (VCV002448471.2), dbSNP rs2533587484, ClinGen allele CA358797209.